The following is an entry in ClinVar:

ClinVar aggregate classification (germline): Uncertain significance. Review status: criteria provided, multiple submitters, no conflicts (2 of 4 stars). 2 submissions from 2 submitters: Uncertain significance (2). Last evaluated 2023-10-23.

Conditions:
Primary ciliary dyskinesia. Also called: Ciliary dyskinesia. Identifiers: Orphanet 244, MedGen C0008780, MONDO:0016575, HP:0012265.
Primary ciliary dyskinesia 13. Also called: CILIARY DYSKINESIA, PRIMARY, 13, WITH OR WITHOUT SITUS INVERSUS. Identifiers: Orphanet 244, MedGen C2750790, MONDO:0013174, OMIM 613193.

Allele frequency attached by ClinVar (database versions not stated): 1000 Genomes Project 30x 0.00031; 1000 Genomes Project 0.00040.
gnomAD v4.1: 60 of 1,614,020 alleles (0.0037%); highest among the groups gnomAD compares: South Asian, 0.065%; no homozygotes.

Submissions (2):

Ambry Genetics
Classification: Uncertain significance for Primary ciliary dyskinesia. Last evaluated: 2023-10-23. Review status: criteria provided, single submitter. Criteria: Ambry Variant Classification Scheme 2023. Collection method: clinical testing. Allele origin: germline.
Comment: The p.I104M variant (also known as c.312T>G), located in coding exon 3 of the DNAAF1 gene, results from a T to G substitution at nucleotide position 312. The isoleucine at codon 104 is replaced by methionine, an amino acid with highly similar properties. This amino acid position is conserved. In addition, this alteration is predicted to be tolerated by in silico analysis. Since supporting evidence is limited at this time, the clinical significance of this alteration remains unclear.

Illumina Laboratory Services, Illumina
Classification: Uncertain significance for Primary ciliary dyskinesia 13. Last evaluated: 2018-01-13. Review status: criteria provided, single submitter. Criteria: ICSL Variant Classification Criteria 13 December 2019. Collection method: clinical testing. Allele origin: germline.

NM_178452.6(DNAAF1):c.312T>G (p.Ile104Met)

Gene: DNAAF1 (dynein axonemal assembly factor 1; plus strand). Cytogenetic location: 16q24.1.
Variant type: single nucleotide variant.
Coding change: c.312T>G on transcript NM_178452.6 (MANE Select); coding-DNA position 312, T replaced by G.
Protein change: p.Ile104Met; replaces isoleucine 104 with methionine.
Molecular consequence: missense variant.
Genome position (GRCh38, 1-based): chr16:84,150,302, T>G. VCF-style: chr16-84150302-T-G. GRCh37 (hg19) VCF-style: chr16-84183907-T-G.
Other names: short protein forms I104M.
Identifiers: ClinVar variation 320767 (VCV000320767.6), dbSNP rs372390124, ClinGen allele CA8202436.
Genomic context (GRCh38, chr16:84,150,302, plus strand): 5'-TTTTAACAGAATGACTAAAAGTTCCCTGCAAAAACTCTGCAAGCAGCACAAGCTTTATAT[T>G]ACCCCAGCATTGAATGATACGCTGTATTTACACTTTAAAGGTAAGGACCTAAGAGAGGAA-3'
Protein context (NP_848547.4, residues 94-114): QKLCKQHKLY[Ile104Met]TPALNDTLYL